The following is an entry in ClinVar:

NM_015570.4(AUTS2):c.2655G>A (p.Arg885=)

Gene: AUTS2 (activator of transcription and developmental regulator AUTS2; plus strand). Cytogenetic location: 7q11.22.
Variant type: single nucleotide variant.
Coding change: c.2655G>A on transcript NM_015570.4 (MANE Select); coding-DNA position 2655, G replaced by A.
Protein change: p.Arg885=; no amino-acid change (arginine 885 retained).
Molecular consequence: synonymous variant.
Genome position (GRCh38, 1-based): chr7:70,789,871, G>A. VCF-style: chr7-70789871-G-A. GRCh37 (hg19) VCF-style: chr7-70254857-G-A.
Other names: c.2583G>A, p.Arg861= (NM_001127231.3).
Identifiers: ClinVar variation 1209138 (VCV001209138.29), dbSNP rs143270799, ClinGen allele CA4281144.

ClinVar aggregate classification (germline): Likely benign. Review status: criteria provided, multiple submitters, no conflicts (2 of 4 stars). 3 submissions from 3 submitters: Likely benign (3). Last evaluated 2025-06-10.

Allele frequency attached by ClinVar (database versions not stated): ExAC 0.00006; gnomAD 0.00006 and 0.00007; gnomAD exomes 0.00008; TOPMed 0.00008; ESP Exome Variant Server 0.00015; 1000 Genomes Project 30x 0.00016; 1000 Genomes Project 0.00020.
gnomAD v4.1: 126 of 1,614,150 alleles (0.0078%); highest among the groups gnomAD compares: Middle Eastern, 0.033%; no homozygotes.

Submissions (3):

Labcorp Genetics (formerly Invitae), Labcorp
Classification: Likely benign. Last evaluated: 2025-06-10. Review status: criteria provided, single submitter. Criteria: Invitae Variant Classification Sherloc (09022015). Collection method: clinical testing. Allele origin: germline.

CeGaT Center for Human Genetics Tuebingen
Classification: Likely benign. Last evaluated: 2024-03-01. Review status: criteria provided, single submitter. Criteria: CeGaT Center For Human Genetics Tuebingen Variant Classification Criteria Version 2. Collection method: clinical testing. Allele origin: germline. Affected: yes. Observed: 1 variant allele.
Comment: AUTS2: BP4, BP7

GeneDx
Classification: Likely benign. Last evaluated: 2020-03-10. Review status: criteria provided, single submitter. Criteria: GeneDx Variant Classification Process June 2021. Collection method: clinical testing. Allele origin: germline. Affected: yes.